The following is an entry in ClinVar:

NM_004064.5(CDKN1B):c.374_375del (p.Asn124_Ser125insTer)

Gene: CDKN1B (cyclin dependent kinase inhibitor 1B; plus strand). Cytogenetic location: 12p13.1.
Variant type: Microsatellite.
Coding change: c.374_375del on transcript NM_004064.5 (MANE Select); coding-DNA positions 374 to 375, 2 bases deleted (CT; older notation c.374_375delCT).
Protein change: p.Asn124_Ser125insTer.
Molecular consequence: nonsense.
Genome position (GRCh38, 1-based): chr12:12,718,213-12,718,214, CT deleted; deleting any 2 consecutive bases within chr12:12,718,211-12,718,214 gives the same sequence; the c. name uses the placement nearest the transcript's 3' end. VCF-style (leftmost placement, unchanged base first): chr12-12718210-ACT-A. GRCh37 (hg19) VCF-style: chr12-12871144-ACT-A.
Other names: c.374_375del (NM_004064.4); c.374_375delCT (NM_004064.3).
Identifiers: ClinVar variation 183395 (VCV000183395.12), dbSNP rs786201011, ClinGen allele CA186093.

ClinVar aggregate classification (germline): Pathogenic. Review status: criteria provided, multiple submitters, no conflicts (2 of 4 stars). 3 submissions from 3 submitters: Pathogenic (2). 1 of the submissions does not count toward it. Last evaluated 2024-04-29.

Conditions:
Hereditary cancer-predisposing syndrome. Also called: Tumor predisposition; Hereditary Cancer Syndrome; Hereditary neoplastic syndrome; Neoplastic Syndromes, Hereditary. Identifiers: Orphanet 140162, MedGen C0027672, MeSH D009386, MONDO:0015356.
Multiple endocrine neoplasia type 4. Also called: MULTIPLE ENDOCRINE NEOPLASIA, TYPE IV. Identifiers: Orphanet 276152, MedGen C1970712, MONDO:0012552, OMIM 610755.

Submissions (3):

Labcorp Genetics (formerly Invitae), Labcorp
Classification: Pathogenic for Multiple endocrine neoplasia type 4. Last evaluated: 2024-04-29. Review status: criteria provided, single submitter. Criteria: Invitae Variant Classification Sherloc (09022015). Collection method: clinical testing. Allele origin: germline.
Comment: This sequence change creates a premature translational stop signal (p.Ser125*) in the CDKN1B gene. It is expected to result in an absent or disrupted protein product. Loss-of-function variants in CDKN1B are known to be pathogenic (PMID: 17030811, 24819502). This variant is not present in population databases (gnomAD no frequency). This premature translational stop signal has been observed in individual(s) with clinical features of multiple endocrine neoplasia 4 (PMID: 24819502). ClinVar contains an entry for this variant (Variation ID: 183395). For these reasons, this variant has been classified as Pathogenic.

Ambry Genetics
Classification: Pathogenic for Hereditary cancer-predisposing syndrome. Last evaluated: 2023-05-04. Review status: criteria provided, single submitter. Criteria: Ambry Variant Classification Scheme 2023. Collection method: clinical testing. Allele origin: germline.
Comment: The c.374_375delCT pathogenic mutation, located in coding exon 1 of the CDKN1B gene, results from a deletion of two nucleotides at nucleotide positions 374 to 375, causing a translational frameshift with a predicted alternate stop codon (p.S125*). This alteration was observed in multiple individuals with a personal history that is consistent with multiple endocrine neoplasia type 4 (MEN4) (Tonelli F et al. Eur J Endocrinol, 2014 Aug;171:K7-K17; Pardi E et al. Endocr Connect, 2015 Mar;4:1-8; Seabrook A et al. J Clin Endocrinol Metab, 2022 Jul;107:2339-2349). This variant is considered to be rare based on population cohorts in the Genome Aggregation Database (gnomAD). In addition to the clinical data presented in the literature, this alteration is expected to result in loss of function by premature protein truncation or nonsense-mediated mRNA decay. As such, this alteration is interpreted as a disease-causing mutation.

OMIM
Classification: Pathogenic for MULTIPLE ENDOCRINE NEOPLASIA, TYPE IV. Last evaluated: 2014-08-01. Review status: no assertion criteria provided. Collection method: literature only. Allele origin: germline. Not counted in ClinVar's aggregate classification.

Literature cited by the submitters: PubMed 17030811 (cited by Labcorp Genetics (formerly Invitae), Labcorp); PubMed 24819502 (cited by 3 submitters); PubMed 25416039 (cited by Ambry Genetics); PubMed 35323929 (cited by Ambry Genetics).